The following is an entry in ClinVar:

NM_002335.4(LRP5):c.1805C>G (p.Thr602Ser)

Gene: LRP5 (LDL receptor related protein 5; plus strand). Cytogenetic location: 11q13.2.
Variant type: single nucleotide variant.
Coding change: c.1805C>G on transcript NM_002335.4 (MANE Select); coding-DNA position 1805, C replaced by G.
Protein change: p.Thr602Ser; replaces threonine 602 with serine.
Molecular consequence: missense variant.
Genome position (GRCh38, 1-based): chr11:68,406,527, C>G. VCF-style: chr11-68406527-C-G. GRCh37 (hg19) VCF-style: chr11-68173995-C-G.
Other names: c.62C>G, p.Thr21Ser (NM_001291902.2); short protein forms T602S, T21S.
Identifiers: ClinVar variation 2694931 (VCV002694931.3), dbSNP rs2496717612, ClinGen allele CA381615249.
Genomic context (GRCh38, chr11:68,406,527, plus strand): 5'-CCCCTTTCCCTGCTGGGCTGTTGATGTTTAGACTGGAGCCTCTGTGTTCGCTTCCAGGAA[C>G]CAACCCGTGTGCGGACAGGAACGGGGGGTGCAGCCACCTGTGCTTCTTCACACCCCACGC-3'
Protein context (NP_002326.2, residues 592-612): KAVNVAKVVG[Thr602Ser]NPCADRNGGC

ClinVar aggregate classification (germline): Uncertain significance (1 of 4 stars; one submission).

Submission:

Labcorp Genetics (formerly Invitae), Labcorp
Classification: Uncertain significance. Last evaluated: 2023-11-10. Review status: criteria provided, single submitter. Criteria: Invitae Variant Classification Sherloc (09022015). Collection method: clinical testing. Allele origin: germline.
Comment: This sequence change replaces threonine, which is neutral and polar, with serine, which is neutral and polar, at codon 602 of the LRP5 protein (p.Thr602Ser). This variant is not present in population databases (gnomAD no frequency). This variant has not been reported in the literature in individuals affected with LRP5-related conditions. Advanced modeling of protein sequence and biophysical properties (such as structural, functional, and spatial information, amino acid conservation, physicochemical variation, residue mobility, and thermodynamic stability) performed at Invitae indicates that this missense variant is not expected to disrupt LRP5 protein function with a negative predictive value of 95%. In summary, the available evidence is currently insufficient to determine the role of this variant in disease. Therefore, it has been classified as a Variant of Uncertain Significance.